The following is an entry in ClinVar:

ClinVar aggregate classification (germline): Likely pathogenic (1 of 4 stars; one submission).

Conditions:
Gnathodiaphyseal dysplasia (GDD). Also called: GNATHODIAPHYSEAL SCLEROSIS; OSTEOGENESIS IMPERFECTA WITH UNUSUAL SKELETAL LESIONS. Identifiers: Orphanet 53697, MedGen C1833736, MONDO:0008151, OMIM 166260.
Autosomal recessive limb-girdle muscular dystrophy type 2L (LGMDR12). Also called: MUSCULAR DYSTROPHY, LIMB-GIRDLE, AUTOSOMAL RECESSIVE 12; Limb-girdle muscular dystrophy, type 2L; Limb-Girdle Muscular Dystrophy R12 Anoctamin-5-Related (LGMD-R12). Identifiers: Orphanet 206549, MedGen C1969785, MONDO:0012652, OMIM 611307.

Allele frequency attached by ClinVar (database versions not stated): TOPMed below 0.00001; gnomAD 0.00001.
gnomAD v4.1: 1 of 1,603,650 alleles (0.000062%); highest among the groups gnomAD compares: Non-Finnish European, 0.000085%; no homozygotes.

Submission:

Labcorp Genetics (formerly Invitae), Labcorp
Classification: Likely pathogenic for Autosomal recessive limb-girdle muscular dystrophy type 2L; Gnathodiaphyseal dysplasia. Last evaluated: 2025-01-27. Review status: criteria provided, single submitter. Criteria: Invitae Variant Classification Sherloc (09022015). Collection method: clinical testing. Allele origin: germline.
Comment: This sequence change affects an acceptor splice site in intron 12 of the ANO5 gene. It is expected to disrupt RNA splicing. Variants that disrupt the donor or acceptor splice site typically lead to a loss of protein function (PMID: 16199547), and loss-of-function variants in ANO5 are known to be pathogenic (PMID: 21186264, 23606453, 25891276, 30919934). This variant is not present in population databases (gnomAD no frequency). This variant has not been reported in the literature in individuals affected with ANO5-related conditions. ClinVar contains an entry for this variant (Variation ID: 2952574). Algorithms developed to predict the effect of sequence changes on RNA splicing suggest that this variant may disrupt the consensus splice site. In summary, the currently available evidence indicates that the variant is pathogenic, but additional data are needed to prove that conclusively. Therefore, this variant has been classified as Likely Pathogenic.

Literature cited by the submitters: PubMed 16199547; PubMed 21186264; PubMed 23606453; PubMed 25891276; PubMed 30919934.

NM_213599.3(ANO5):c.1181-1G>A

Gene: ANO5 (anoctamin 5; plus strand). Cytogenetic location: 11p14.3.
Variant type: single nucleotide variant.
Coding change: c.1181-1G>A on transcript NM_213599.3 (MANE Select); the canonical splice acceptor site of the intron before coding-DNA position 1181, G replaced by A.
Molecular consequence: splice acceptor variant.
Genome position (GRCh38, 1-based): chr11:22,255,370, G>A. VCF-style: chr11-22255370-G-A. GRCh37 (hg19) VCF-style: chr11-22276916-G-A.
Other names: c.1139-1G>A (NM_001410963.1); c.1178-1G>A (NM_001142649.2); c.1136-1G>A (NM_001410964.1).
Identifiers: ClinVar variation 2952574 (VCV002952574.3), dbSNP rs1853966406, ClinGen allele CA379921343.